The following is an entry in ClinVar:

ClinVar aggregate classification (germline): Benign. Review status: criteria provided, single submitter (1 of 4 stars). 4 submissions from 4 submitters: Benign (1). 3 of the submissions do not count toward it. Last evaluated 2025-11-16.

Conditions:
MC3R-related disorder. Also called: MC3R-related condition.

Allele frequency attached by ClinVar (database versions not stated): gnomAD 0.00191 and 0.00193; ExAC 0.00151; 1000 Genomes Project 30x 0.00141; gnomAD exomes 0.00172 and 0.00177; TOPMed 0.00249; ESP Exome Variant Server 0.00131; 1000 Genomes Project 0.00140.
gnomAD v4.1: 2,909 of 1,614,162 alleles (0.18%); highest among the groups gnomAD compares: Admixed American, 0.48%; 8 homozygotes.

Submissions (4):

Labcorp Genetics (formerly Invitae), Labcorp
Classification: Benign. Last evaluated: 2025-11-16. Review status: criteria provided, single submitter. Criteria: Invitae Variant Classification Sherloc (09022015). Collection method: clinical testing. Allele origin: germline.

PreventionGenetics, part of Exact Sciences
Classification: Likely benign for MC3R-related condition. Last evaluated: 2021-07-16. Review status: no assertion criteria provided. Collection method: clinical testing. Allele origin: germline. Not counted in ClinVar's aggregate classification.
Comment: This variant is classified as likely benign based on ACMG/AMP sequence variant interpretation guidelines (Richards et al. 2015 PMID: 25741868, with internal and published modifications).

Clinical Genetics, Academic Medical Center
Classification: Likely benign. Review status: no assertion criteria provided. Collection method: clinical testing. Allele origin: germline. Affected: yes. Study: VKGL Data-share Consensus. Not counted in ClinVar's aggregate classification.

Genome Diagnostics Laboratory, University Medical Center Utrecht
Classification: Likely benign. Review status: no assertion criteria provided. Collection method: clinical testing. Allele origin: germline. Affected: yes. Study: VKGL Data-share Consensus. Not counted in ClinVar's aggregate classification.

NM_019888.3(MC3R):c.658C>A (p.Arg220Ser)

Gene: MC3R (melanocortin 3 receptor; plus strand). Cytogenetic location: 20q13.2.
Variant type: single nucleotide variant.
Coding change: c.658C>A on transcript NM_019888.3 (MANE Select); coding-DNA position 658, C replaced by A.
Protein change: p.Arg220Ser; replaces arginine 220 with serine.
Molecular consequence: missense variant.
Genome position (GRCh38, 1-based): chr20:56,249,501, C>A. VCF-style: chr20-56249501-C-A. GRCh37 (hg19) VCF-style: chr20-54824557-C-A.
Other names: short protein forms R220S.
Identifiers: ClinVar variation 1284525 (VCV001284525.12), dbSNP rs61735259, ClinGen allele CA9917059.
Genomic context (GRCh38, chr20:56,249,501, plus strand): 5'-ATGCTCCTCATGGGCACCCTCTACGTGCACATGTTCCTCTTTGCGCGGCTGCACGTCAAG[C>A]GCATAGCAGCACTGCCACCTGCCGACGGGGTGGCCCCACAGCAACACTCATGCATGAAGG-3'
Protein context (NP_063941.3, residues 210-230): MFLFARLHVK[Arg220Ser]IAALPPADGV